The following is an entry in ClinVar:

NM_000053.4(ATP7B):c.2789T>C (p.Ile930Thr)

Gene: ATP7B (ATPase copper transporting beta; minus strand). Cytogenetic location: 13q14.3.
Variant type: single nucleotide variant.
Coding change: c.2789T>C on transcript NM_000053.4 (MANE Select); coding-DNA position 2789, T replaced by C.
Protein change: p.Ile930Thr; replaces isoleucine 930 with threonine.
Molecular consequence: missense variant. On other transcripts: intron variant (3).
Genome position (GRCh38, 1-based): chr13:51,949,738, A>G on the plus strand (T>C on the coding strand, the complement: ATP7B is on the minus strand). VCF-style: chr13-51949738-A-G. GRCh37 (hg19) VCF-style: chr13-52523874-A-G.
Other names: c.2645T>C, p.Ile882Thr (NM_001406521.1, NM_001406522.1, NM_001406537.1 and 1 more transcripts); c.2789T>C, p.Ile930Thr (NM_001406523.1, NM_001406525.1, NM_001406526.1 and 5 more transcripts); c.2612T>C, p.Ile871Thr (NM_001406524.1); c.2555T>C, p.Ile852Thr (NM_001406527.1, NM_001406528.1, NM_001406534.1 and 2 more transcripts); c.2549T>C, p.Ile850Thr (NM_001406530.1); c.2537T>C, p.Ile846Thr (NM_001406531.1, NM_001406532.1, NM_001406540.1 and 1 more transcripts); c.2459T>C, p.Ile820Thr (NM_001406536.1); c.2360T>C, p.Ile787Thr (NM_001406539.1); and 10 more; short protein forms I500T, I714T, I736T, I768T, I787T, I814T, I819T, I820T.
Identifiers: ClinVar variation 3387603 (VCV003387603.1).
Genomic context (GRCh38, chr13:51,949,738, plus strand): 5'-ACAACACCAAAATCGATAAAACCGATTACAATCCATACCACCAACGTCAAAGTTGACATG[A>G]TGATGATAAATGGGACAAAATATCCACTAAACCGGTCAGCCAGCTGCTGAATGGGTGCCT-3'
Protein context (NP_000044.2, residues 920-940): FSGYFVPFII[Ile930Thr]MSTLTLVVWI

ClinVar aggregate classification (germline): Uncertain significance (1 of 4 stars; one submission).

Conditions:
Wilson disease (WND). Also called: Wilson's disease. Identifiers: Orphanet 905, MedGen C0019202, MONDO:0010200, OMIM 277900. Disease mechanism: loss of function.

gnomAD v4.1: 6 of 1,614,174 alleles (0.00037%); highest among the groups gnomAD compares: Non-Finnish European, 0.00042%; no homozygotes.

Submission:

All of Us Research Program, National Institutes of Health
Classification: Uncertain significance for Wilson disease. Last evaluated: 2024-02-22. Review status: criteria provided, single submitter. Criteria: ACMG Guidelines, 2015. Collection method: clinical testing. Allele origin: germline. Inheritance: Autosomal recessive inheritance. Observed: 1 variant allele, 1 heterozygote.
Comment: This missense variant replaces isoleucine with threonine at codon 930 of the ATP7B protein. Computational prediction is inconclusive regarding the impact of this variant on protein structure and function (internally defined REVEL score threshold 0.5 < inconclusive < 0.7, PMID: 27666373). To our knowledge, functional studies have not been reported for this variant. This variant has not been reported in individuals affected with ATP7B-related disorders in the literature. This variant has been identified in 1/249310 chromosomes in the general population by the Genome Aggregation Database (gnomAD). The available evidence is insufficient to determine the role of this variant in disease conclusively. Therefore, this variant is classified as a Variant of Uncertain Significance.

This study involves interpretation of variants in research participants for the purpose of population health screening. Participant phenotype was not available at the time of variant classification. Additional details can be found in publication PMID: 35346344, PMCID: PMC8962531